The following is an entry in ClinVar:

NM_000179.3(MSH6):c.1572C>A (p.Tyr524Ter)

Gene: MSH6 (mutS homolog 6; plus strand). Cytogenetic location: 2p16.3.
Variant type: single nucleotide variant.
Coding change: c.1572C>A on transcript NM_000179.3 (MANE Select); coding-DNA position 1572, C replaced by A.
Protein change: p.Tyr524Ter; replaces tyrosine 524 with a stop codon.
Molecular consequence: nonsense.
Genome position (GRCh38, 1-based): chr2:47,799,555, C>A. VCF-style: chr2-47799555-C-A. GRCh37 (hg19) VCF-style: chr2-48026694-C-A.
Other names: c.1182C>A, p.Tyr394Ter (NM_001281492.2); c.666C>A, p.Tyr222Ter (NM_001281493.2, NM_001281494.2); short protein forms Y524*, Y394*, Y222*.
Identifiers: ClinVar variation 410426 (VCV000410426.19), dbSNP rs587779215, ClinGen allele CA16610964.

ClinVar aggregate classification (germline): Pathogenic/Likely pathogenic. Review status: criteria provided, multiple submitters, no conflicts (2 of 4 stars). 6 submissions from 6 submitters: Pathogenic (5); Likely pathogenic (1). Last evaluated 2023-08-14.

Conditions:
Lynch syndrome. Identifiers: Orphanet 144, MedGen C4552100, MONDO:0005835. Disease mechanism: loss of function.
Endometrial carcinoma. Also called: Endometrial carcinoma, somatic. Identifiers: MedGen C0476089, MONDO:0002447, OMIM 608089, HP:0012114.
Hereditary cancer-predisposing syndrome. Also called: Tumor predisposition; Hereditary Cancer Syndrome; Hereditary neoplastic syndrome; Neoplastic Syndromes, Hereditary. Identifiers: Orphanet 140162, MedGen C0027672, MeSH D009386, MONDO:0015356.
Lynch syndrome 5 (LYNCH5). Also called: Hereditary non-polyposis colorectal cancer, type 5; Colorectal cancer, hereditary nonpolyposis, type 5. Identifiers: Orphanet 144, MedGen C1833477, MONDO:0013710, OMIM 614350. Disease mechanism: loss of function.
Hereditary nonpolyposis colorectal neoplasms. Identifiers: MedGen C0009405, MeSH D003123.

Submissions (6):

Myriad Genetics, Inc.
Classification: Pathogenic for Lynch syndrome 5. Last evaluated: 2023-08-14. Review status: criteria provided, single submitter. Criteria: Myriad Autosomal Dominant, Autosomal Recessive and X-Linked Classification Criteria (2023). Collection method: clinical testing. Allele origin: unknown.
Comment: This variant is considered pathogenic. This variant creates a termination codon and is predicted to result in premature protein truncation.

Ambry Genetics
Classification: Pathogenic for Hereditary cancer-predisposing syndrome. Last evaluated: 2023-06-12. Review status: criteria provided, single submitter. Criteria: Ambry Variant Classification Scheme 2023. Collection method: clinical testing. Allele origin: germline.
Comment: The p.Y524* pathogenic mutation (also known as c.1572C>A), located in coding exon 4 of the MSH6 gene, results from a C to A substitution at nucleotide position 1572. This changes the amino acid from a tyrosine to a stop codon within coding exon 4. This variant is considered to be rare based on population cohorts in the Genome Aggregation Database (gnomAD). In addtion, this alteration is expected to result in loss of function by premature protein truncation or nonsense-mediated mRNA decay. As such, this alteration is interpreted as a disease-causing mutation.

Labcorp Genetics (formerly Invitae), Labcorp
Classification: Pathogenic for Hereditary nonpolyposis colorectal neoplasms. Last evaluated: 2022-11-23. Review status: criteria provided, single submitter. Criteria: Invitae Variant Classification Sherloc (09022015). Collection method: clinical testing. Allele origin: germline.
Comment: This variant is not present in population databases (gnomAD no frequency). For these reasons, this variant has been classified as Pathogenic. ClinVar contains an entry for this variant (Variation ID: 410426). This variant has not been reported in the literature in individuals affected with MSH6-related conditions. This sequence change creates a premature translational stop signal (p.Tyr524*) in the MSH6 gene. It is expected to result in an absent or disrupted protein product. Loss-of-function variants in MSH6 are known to be pathogenic (PMID: 18269114, 24362816).

GeneDx
Classification: Pathogenic. Last evaluated: 2021-03-03. Review status: criteria provided, single submitter. Criteria: GeneDx Variant Classification Process June 2021. Collection method: clinical testing. Allele origin: germline. Affected: yes.
Comment: Nonsense variant predicted to result in protein truncation in a gene for which loss-of-function is a known mechanism of disease; Not observed in large population cohorts (Lek 2016); Truncating variants in this gene are considered pathogenic by a well-established clinical consortium and/or database.; Has not been previously published as pathogenic or benign to our knowledge; A different variant resulting in the same premature stop codon, MSH6 c.1572C>G (p.Tyr524Ter), has been reported in association with HNPCC-related cancers (Rubio 2016); This variant is associated with the following publications: (PMID: 24100870, 29345684, 27398995)

Baylor Genetics
Classification: Likely pathogenic for Endometrial carcinoma. Last evaluated: 2021-02-19. Review status: criteria provided, single submitter. Criteria: ACMG Guidelines, 2015. Collection method: clinical testing. Allele origin: unknown.

Women's Health and Genetics/Laboratory Corporation of America, LabCorp
Classification: Pathogenic for Hereditary nonpolyposis colon cancer. Last evaluated: 2016-11-04. Review status: criteria provided, single submitter. Criteria: LabCorp Variant Classification Summary - May 2015. Collection method: clinical testing. Allele origin: germline.
Comment: Variant summary: The MSH6 c.1572C>A (p.Tyr524X) variant results in a premature termination codon, predicted to cause a truncated or absent MSH6 protein due to nonsense mediated decay, which are commonly known mechanisms for disease. Truncations downstream of this position have been classified as pathogenic by our laboratory (e.g. c.1784delT/p.Leu595fsX15; c.2230dupG/p.Glu744fsX12; c.2731C>T/p.Arg911X, etc). One in silico tool predicts a damaging outcome for this variant. This variant is absent in 121362 control chromosomes. The variant of interest has not, to our knowledge, been reported in affected individuals via publications and/or reputable databases/clinical diagnostic laboratories; nor evaluated for functional impact by in vivo/vitro studies. However, the variant c.1572C>G leading to the same codon change p.Tyr524X in MSH6 is classified as "pathogenic" by InSiGHT, and has been reported in affected individuals. Taken together, according to ACMG guideline, this variant is classified as pathogenic.

Literature cited by the submitters: PubMed 18269114 (cited by Labcorp Genetics (formerly Invitae), Labcorp); PubMed 24362816 (cited by Labcorp Genetics (formerly Invitae), Labcorp).